The following is an entry in ClinVar:

ClinVar aggregate classification (germline): Uncertain significance (1 of 4 stars; one submission).

Conditions:
Inborn genetic diseases. Identifiers: MedGen C0950123, MeSH D030342.

gnomAD v4.1: 2 of 1,614,200 alleles (0.00012%); highest among the groups gnomAD compares: African/African-American, 0.0027%; no homozygotes.

Submission:

Ambry Genetics
Classification: Uncertain significance for Inborn genetic diseases. Last evaluated: 2025-03-18. Review status: criteria provided, single submitter. Criteria: Ambry Variant Classification Scheme 2023. Collection method: clinical testing. Allele origin: germline.
Comment: The p.H145P variant (also known as c.434A>C), located in coding exon 3 of the ANKRD26 gene, results from an A to C substitution at nucleotide position 434. The histidine at codon 145 is replaced by proline, an amino acid with similar properties. This amino acid position is conserved. In addition, this alteration is predicted to be tolerated by in silico analysis. Based on the available evidence, the clinical significance of this variant remains unclear.

NM_014915.3(ANKRD26):c.434A>C (p.His145Pro)

Gene: ANKRD26 (ankyrin repeat domain containing 26; minus strand). Cytogenetic location: 10p12.1.
Variant type: single nucleotide variant.
Coding change: c.434A>C on transcript NM_014915.3 (MANE Select); coding-DNA position 434, A replaced by C.
Protein change: p.His145Pro; replaces histidine 145 with proline.
Molecular consequence: missense variant.
Genome position (GRCh38, 1-based): chr10:27,093,446, T>G on the plus strand (A>C on the coding strand, the complement: ANKRD26 is on the minus strand). VCF-style: chr10-27093446-T-G. GRCh37 (hg19) VCF-style: chr10-27382375-T-G.
Other names: c.434A>C, p.His145Pro (NM_001256053.2); short protein forms H145P.
Identifiers: ClinVar variation 3912995 (VCV003912995.1).